The following is an entry in ClinVar:

NM_016169.4(SUFU):c.183-1G>A

Gene: SUFU (SUFU negative regulator of hedgehog signaling; plus strand). Cytogenetic location: 10q24.32.
Variant type: single nucleotide variant.
Coding change: c.183-1G>A on transcript NM_016169.4 (MANE Select); the canonical splice acceptor site of the intron before coding-DNA position 183, G replaced by A.
Molecular consequence: splice acceptor variant.
Genome position (GRCh38, 1-based): chr10:102,509,168, G>A. VCF-style: chr10-102509168-G-A. GRCh37 (hg19) VCF-style: chr10-104268925-G-A.
Other names: c.183-1G>A (NM_001178133.2).
Identifiers: ClinVar variation 524654 (VCV000524654.8), dbSNP rs1554841447, ClinGen allele CA377888078.

ClinVar aggregate classification (germline): Conflicting classifications of pathogenicity. Review status: criteria provided, conflicting classifications (1 of 4 stars). 2 submissions from 2 submitters: Likely pathogenic (1); Uncertain significance (1). Last evaluated 2024-08-07.

Conditions:
Hereditary cancer-predisposing syndrome. Also called: Neoplastic Syndromes, Hereditary; Tumor predisposition; Hereditary neoplastic syndrome; Hereditary Cancer Syndrome. Identifiers: Orphanet 140162, MedGen C0027672, MeSH D009386, MONDO:0015356.
Gorlin syndrome. Also called: Basal cell nevus syndrome; Nevoid Basal Cell Carcinoma Syndrome. Identifiers: Orphanet 377, MedGen C0004779, MONDO:0007187.
Medulloblastoma (MDB). Also called: Medulloblastoma, somatic; MEDULLOBLASTOMA PREDISPOSITION SYNDROME. Identifiers: Orphanet 616, MedGen C0025149, MeSH D008527, MONDO:0007959, OMIM 155255, HP:0002885.

Submissions (2):

Ambry Genetics
Classification: Uncertain significance for Hereditary cancer-predisposing syndrome. Last evaluated: 2024-08-07. Review status: criteria provided, single submitter. Criteria: Ambry Variant Classification Scheme 2023. Collection method: clinical testing. Allele origin: germline.
Comment: The c.183-1G>A intronic variant results from a G to A substitution one nucleotide upstream from coding exon 2 of the SUFU gene. This nucleotide position is highly conserved in available vertebrate species. In silico splice site analysis predicts that this alteration will weaken the native splice acceptor site and will result in the creation or strengthening of a novel splice acceptor site. The resulting transcript is predicted to be in-frame and is not expected to trigger nonsense-mediated mRNA decay; however, direct evidence is insufficient at this time. The exact functional effect of the altered amino acid sequence is unknown. Based on the available evidence, the clinical significance of this variant remains unclear.

Labcorp Genetics (formerly Invitae), Labcorp
Classification: Likely pathogenic for Gorlin syndrome; Medulloblastoma. Last evaluated: 2022-11-09. Review status: criteria provided, single submitter. Criteria: Invitae Variant Classification Sherloc (09022015). Collection method: clinical testing. Allele origin: germline.
Comment: This sequence change affects an acceptor splice site in intron 1 of the SUFU gene. It is expected to disrupt RNA splicing. Variants that disrupt the donor or acceptor splice site typically lead to a loss of protein function (PMID: 16199547), and loss-of-function variants in SUFU are known to be pathogenic (PMID: 22508808, 25403219, 33024317). This variant is not present in population databases (gnomAD no frequency). This variant has not been reported in the literature in individuals affected with SUFU-related conditions. ClinVar contains an entry for this variant (Variation ID: 524654). Algorithms developed to predict the effect of sequence changes on RNA splicing suggest that this variant may disrupt the consensus splice site. In summary, the currently available evidence indicates that the variant is pathogenic, but additional data are needed to prove that conclusively. Therefore, this variant has been classified as Likely Pathogenic.

Literature cited by the submitters: PubMed 16199547 (cited by Labcorp Genetics (formerly Invitae), Labcorp); PubMed 22508808 (cited by Labcorp Genetics (formerly Invitae), Labcorp); PubMed 25403219 (cited by Labcorp Genetics (formerly Invitae), Labcorp); PubMed 33024317 (cited by Labcorp Genetics (formerly Invitae), Labcorp).